The following is an entry in ClinVar:

ClinVar aggregate classification (germline): Likely benign (1 of 4 stars; one submission).

Conditions:
Charcot-Marie-Tooth disease type 4H (CMT4H). Also called: CHARCOT-MARIE-TOOTH DISEASE, AUTOSOMAL RECESSIVE, TYPE 4H; CHARCOT-MARIE-TOOTH DISEASE, DEMYELINATING, AUTOSOMAL RECESSIVE, TYPE 4H; CHARCOT-MARIE-TOOTH NEUROPATHY, TYPE 4H; CHARCOT-MARIE-TOOTH DISEASE, DEMYELINATING, TYPE 4H. Identifiers: Orphanet 99954, MedGen C1836336, MONDO:0012250, OMIM 609311.

Allele frequency attached by ClinVar (database versions not stated): 1000 Genomes Project 0.00080; 1000 Genomes Project 30x 0.00109; TOPMed 0.00340; gnomAD 0.00364 and 0.00370.

Submission:

Illumina Laboratory Services, Illumina
Classification: Likely benign for Charcot-Marie-Tooth disease type 4H. Last evaluated: 2018-01-12. Review status: criteria provided, single submitter. Criteria: ICSL Variant Classification Criteria 13 December 2019. Collection method: clinical testing. Allele origin: germline.
Comment: This variant was observed in the ICSL laboratory as part of a predisposition screen in an ostensibly healthy population. It had not been previously curated by ICSL or reported in the Human Gene Mutation Database (HGMD: prior to June 1st, 2018), and was therefore a candidate for classification through an automated scoring system. Utilizing variant allele frequency, disease prevalence and penetrance estimates, and inheritance mode, an automated score was calculated to assess if this variant is too frequent to cause the disease. Based on the score and internal cut-off values, a variant classified as likely benign is not then subjected to further curation. The score for this variant resulted in a classification of likely benign for this disease.

NM_001370298.3(FGD4):c.*2103A>G

Gene: FGD4 (FYVE, RhoGEF and PH domain containing 4; plus strand). Cytogenetic location: 12p11.21.
Variant type: single nucleotide variant.
Coding change: c.*2103A>G on transcript NM_001370298.3 (MANE Select); 2103 bases downstream of the stop codon, A replaced by G.
Molecular consequence: 3 prime UTR variant. On other transcripts: intron variant (3).
Genome position (GRCh38, 1-based): chr12:32,642,636, A>G. VCF-style: chr12-32642636-A-G. GRCh37 (hg19) VCF-style: chr12-32795570-A-G.
Other names: c.*2103A>G (NM_001304481.2, NM_001304484.2, NM_001330373.2 and 5 more transcripts); c.2633-1958A>G (NM_001384126.1); c.2222-1958A>G (NM_001384127.1, NM_001384128.1).
Identifiers: ClinVar variation 308329 (VCV000308329.5), dbSNP rs55963204, ClinGen allele CA10640929.